The following is an entry in ClinVar:

NM_001148.6(ANK2):c.2796+15G>A

Gene: ANK2 (ankyrin 2; plus strand). Cytogenetic location: 4q26.
Variant type: single nucleotide variant.
Coding change: c.2796+15G>A on transcript NM_001148.6 (MANE Select); 15 bases into the intron after coding-DNA position 2796, G replaced by A.
Molecular consequence: intron variant.
Genome position (GRCh38, 1-based): chr4:113,317,824, G>A. VCF-style: chr4-113317824-G-A. GRCh37 (hg19) VCF-style: chr4-114238980-G-A.
Other names: c.2781+15G>A (NM_001386186.2, NM_001386148.2); c.2583+15G>A (NM_001354269.3); c.2760+15G>A (NM_001386187.2); c.2754+15G>A (NM_001386147.1, NM_001354261.2); c.2739+15G>A (NM_001386160.1); c.2745+15G>A (NM_001354254.2); c.2730+15G>A (NM_001354239.2, NM_001354252.2, NM_001354272.2 and 3 more transcripts); c.2733+15G>A (NM_001127493.3, NM_001386143.1, NM_001354243.2 and 3 more transcripts); and 17 more.
Identifiers: ClinVar variation 516114 (VCV000516114.1), dbSNP rs371943204, ClinGen allele CA3050666.

ClinVar aggregate classification (germline): Benign (1 of 4 stars; one submission).

Allele frequency attached by ClinVar (database versions not stated): gnomAD exomes below 0.00001; TOPMed 0.00001 and 0.00002; gnomAD 0.00001; ESP Exome Variant Server 0.00008; ExAC 0.00001.
gnomAD v4.1: 4 of 1,602,200 alleles (0.00025%); highest among the groups gnomAD compares: Non-Finnish European, 0.00034%; no homozygotes.

Submission:

GeneDx
Classification: Benign. Last evaluated: 2017-04-12. Review status: criteria provided, single submitter. Criteria: GeneDx Variant Classification (06012015). Collection method: clinical testing. Allele origin: germline. Affected: yes.
Comment: This variant is considered likely benign or benign based on one or more of the following criteria: it is a conservative change, it occurs at a poorly conserved position in the protein, it is predicted to be benign by multiple in silico algorithms, and/or has population frequency not consistent with disease.